The following is an entry in ClinVar:

NM_001363711.2(DUOX2):c.2421C>G (p.Ser807Arg)

Gene: DUOX2 (dual oxidase 2; minus strand). Cytogenetic location: 15q21.1.
Variant type: single nucleotide variant.
Coding change: c.2421C>G on transcript NM_001363711.2 (MANE Select); coding-DNA position 2421, C replaced by G.
Protein change: p.Ser807Arg; replaces serine 807 with arginine.
Molecular consequence: missense variant.
Genome position (GRCh38, 1-based): chr15:45,104,279, G>C on the plus strand (C>G on the coding strand, the complement: DUOX2 is on the minus strand). VCF-style: chr15-45104279-G-C. GRCh37 (hg19) VCF-style: chr15-45396477-G-C.
Other names: c.2421C>G, p.Ser807Arg (NM_014080.5); short protein forms S807R.
Identifiers: ClinVar variation 2818763 (VCV002818763.3), dbSNP rs1353937722, ClinGen allele CA392269730.

ClinVar aggregate classification (germline): Uncertain significance (1 of 4 stars; one submission).

Submission:

Labcorp Genetics (formerly Invitae), Labcorp
Classification: Uncertain significance. Last evaluated: 2024-01-14. Review status: criteria provided, single submitter. Criteria: Invitae Variant Classification Sherloc (09022015). Collection method: clinical testing. Allele origin: germline.
Comment: This sequence change replaces serine, which is neutral and polar, with arginine, which is basic and polar, at codon 807 of the DUOX2 protein (p.Ser807Arg). This variant is not present in population databases (gnomAD no frequency). This variant has not been reported in the literature in individuals affected with DUOX2-related conditions. Advanced modeling of protein sequence and biophysical properties (such as structural, functional, and spatial information, amino acid conservation, physicochemical variation, residue mobility, and thermodynamic stability) performed at Invitae indicates that this missense variant is expected to disrupt DUOX2 protein function with a positive predictive value of 80%. In summary, the available evidence is currently insufficient to determine the role of this variant in disease. Therefore, it has been classified as a Variant of Uncertain Significance.